The following is an entry in ClinVar:

NM_000091.5(COL4A3):c.2223+5G>A

Genes: COL4A3 (collagen type IV alpha 3 chain; plus strand), MFF-DT (MFF divergent transcript; minus strand). Cytogenetic location: 2q36.3.
Variant type: single nucleotide variant.
Coding change: c.2223+5G>A on transcript NM_000091.5 (MANE Select); 5 bases into the intron after coding-DNA position 2223, G replaced by A.
Molecular consequence: intron variant.
Genome position (GRCh38, 1-based): chr2:227,279,895, G>A. VCF-style: chr2-227279895-G-A. GRCh37 (hg19) VCF-style: chr2-228144611-G-A.
Identifiers: ClinVar variation 3586049 (VCV003586049.3).

ClinVar aggregate classification (germline): Uncertain significance. Review status: criteria provided, multiple submitters, no conflicts (2 of 4 stars). 2 submissions from 2 submitters: Uncertain significance (2). Last evaluated 2025-08-14.

Conditions:
Autosomal dominant Alport syndrome (ATS3A). Also called: Alport syndrome dominant type; Renal failure and sensorineural hearing loss; ALPORT SYNDROME 3A, AUTOSOMAL DOMINANT. Identifiers: Orphanet 63, Orphanet 88918, MedGen C5882663, MONDO:0007086, OMIM 104200.
Hematuria, benign familial, 2 (BFH2). Identifiers: MedGen C5830421, MONDO:0958186, OMIM 620320.
Alport syndrome 3b, autosomal recessive. Identifiers: MedGen C5882699, MONDO:0957811, OMIM 620536.

gnomAD v4.1: 18 of 1,596,784 alleles (0.0011%); highest among the groups gnomAD compares: East Asian, 0.016%; no homozygotes.

Submissions (2):

3billion
Classification: Uncertain significance for Alport syndrome 3b, autosomal recessive. Last evaluated: 2025-08-14. Review status: criteria provided, single submitter. Criteria: ACMG Guidelines, 2015. Collection method: clinical testing. Allele origin: germline. Affected: yes.
Comment: The variant is observed at an extremely low frequency in the gnomAD v4.1.0 dataset (total allele frequency: 0.001%). Predicted Consequence/Location: Intron variant The variant has been reported as of uncertain significance (ClinVar ID: VCV003586049). Therefore, this variant is classified as VUS according to the recommendation of ACMG/AMP guideline.

Fulgent Genetics
Classification: Uncertain significance for Autosomal dominant Alport syndrome; Hematuria, benign familial, 2; Alport syndrome 3b, autosomal recessive. Last evaluated: 2024-06-12. Review status: criteria provided, single submitter. Criteria: ACMG Guidelines, 2015. Collection method: clinical testing. Allele origin: germline.